The following is an entry in ClinVar:

ClinVar aggregate classification (germline): Benign/Likely benign. Review status: criteria provided, multiple submitters, no conflicts (2 of 4 stars). 7 submissions from 7 submitters: Benign (1); Likely benign (6). Last evaluated 2025-12-23.

Conditions:
Cardiovascular phenotype. Identifiers: MedGen CN230736.
Alagille syndrome due to a JAG1 point mutation. Also called: Alagille Syndrome 1; HEPATIC DUCTULAR HYPOPLASIA, SYNDROMATIC; JAG1-Related Alagille Syndrome. Identifiers: Orphanet 261619, Orphanet 52, MedGen C1956125, MONDO:0016862, OMIM 118450.

Allele frequency attached by ClinVar (database versions not stated): ExAC 0.00041; gnomAD exomes 0.00042 and 0.00047; gnomAD 0.00050 and 0.00051; TOPMed 0.00053; ESP Exome Variant Server 0.00054.
gnomAD v4.1: 698 of 1,609,458 alleles (0.043%); highest among the groups gnomAD compares: Middle Eastern, 0.16%; 2 homozygotes.

Submissions (7):

Labcorp Genetics (formerly Invitae), Labcorp
Classification: Likely benign for Alagille syndrome due to a JAG1 point mutation. Last evaluated: 2025-12-23. Review status: criteria provided, single submitter. Criteria: Invitae Variant Classification Sherloc (09022015). Collection method: clinical testing. Allele origin: germline.

Mayo Clinic Laboratories, Mayo Clinic
Classification: Likely benign. Last evaluated: 2025-07-10. Review status: criteria provided, single submitter. Criteria: ACMG Guidelines, 2015. Collection method: clinical testing. Allele origin: germline. Observed: 1 variant allele.
Comment: BS1, BP4, BP7

Blueprint Genetics
Classification: Likely benign. Last evaluated: 2024-10-02. Review status: criteria provided, single submitter. Criteria: ACMG Guidelines, 2015. Collection method: clinical testing. Allele origin: germline.

CeGaT Center for Human Genetics Tuebingen
Classification: Likely benign. Last evaluated: 2024-09-01. Review status: criteria provided, single submitter. Criteria: CeGaT Center For Human Genetics Tuebingen Variant Classification Criteria Version 2. Collection method: clinical testing. Allele origin: germline. Affected: yes. Observed: 2 variant alleles.
Comment: JAG1: BP4, BS1

Eurofins Ntd Llc (ga)
Classification: Likely benign. Last evaluated: 2018-08-28. Review status: criteria provided, single submitter. Criteria: EGL ClinVar v180209 classification definitions. Collection method: clinical testing. Allele origin: germline. Observed: 2 variant alleles, 2 heterozygotes.

Ambry Genetics
Classification: Likely benign for Cardiovascular phenotype. Last evaluated: 2018-01-15. Review status: criteria provided, single submitter. Criteria: Ambry Variant Classification Scheme 2023. Collection method: clinical testing. Allele origin: germline.

GeneDx
Classification: Benign. Last evaluated: 2015-03-03. Review status: criteria provided, single submitter. Criteria: GeneDx Variant Classification Process June 2021. Collection method: clinical testing. Allele origin: germline. Affected: yes.

NM_000214.3(JAG1):c.1389C>T (p.Ser463=)

Gene: JAG1 (jagged canonical Notch ligand 1; minus strand). Cytogenetic location: 20p12.2.
Variant type: single nucleotide variant.
Coding change: c.1389C>T on transcript NM_000214.3 (MANE Select); coding-DNA position 1389, C replaced by T.
Protein change: p.Ser463=; no amino-acid change (serine 463 retained).
Molecular consequence: synonymous variant.
Genome position (GRCh38, 1-based): chr20:10,649,067, G>A on the plus strand (C>T on the coding strand, the complement: JAG1 is on the minus strand). VCF-style: chr20-10649067-G-A. GRCh37 (hg19) VCF-style: chr20-10629715-G-A.
Other names: p.Ser463=; c.1389C>T, p.Ser463= (LRG_1191t1).
Identifiers: ClinVar variation 414162 (VCV000414162.45), dbSNP rs147229008, ClinGen allele CA9764884.